The following is an entry in ClinVar:

ClinVar aggregate classification (germline): Uncertain significance (1 of 4 stars; one submission).

Conditions:
Diamond-Blackfan anemia. Also called: Blackfan Diamond syndrome; Aregenerative anemia chronic congenital; Red cell aplasia, pure hereditary; Congenital hypoplastic anemia; Aase syndrome. Identifiers: Orphanet 124, MedGen C1260899, MeSH D029503, MONDO:0015253, HP:0004810.

Allele frequency attached by ClinVar (database versions not stated): gnomAD exomes below 0.00001.
gnomAD v4.1: 1 of 1,613,898 alleles (0.000062%); highest among the groups gnomAD compares: Non-Finnish European, 0.000085%; no homozygotes.

Submission:

Labcorp Genetics (formerly Invitae), Labcorp
Classification: Uncertain significance for Diamond-Blackfan anemia. Last evaluated: 2022-08-31. Review status: criteria provided, single submitter. Criteria: Invitae Variant Classification Sherloc (09022015). Collection method: clinical testing. Allele origin: germline.
Comment: This variant is not present in population databases (gnomAD no frequency). This sequence change replaces alanine, which is neutral and non-polar, with valine, which is neutral and non-polar, at codon 106 of the RPS19 protein (p.Ala106Val). In summary, the available evidence is currently insufficient to determine the role of this variant in disease. Therefore, it has been classified as a Variant of Uncertain Significance. Algorithms developed to predict the effect of missense changes on protein structure and function are either unavailable or do not agree on the potential impact of this missense change (SIFT: "Deleterious"; PolyPhen-2: "Benign"; Align-GVGD: "Class C0"). ClinVar contains an entry for this variant (Variation ID: 958359). This variant has not been reported in the literature in individuals affected with RPS19-related conditions.

NM_001022.4(RPS19):c.317C>T (p.Ala106Val)

Genes: RPS19 (ribosomal protein S19; plus strand), RPS19-CD79A (RPS19-CD79A readthrough; plus strand). Cytogenetic location: 19q13.2.
Variant type: single nucleotide variant.
Coding change: c.317C>T on transcript NM_001022.4 (MANE Select); coding-DNA position 317, C replaced by T.
Protein change: p.Ala106Val; replaces alanine 106 with valine.
Molecular consequence: missense variant. On other transcripts: synonymous variant (1).
Genome position (GRCh38, 1-based): chr19:41,869,175, C>T. VCF-style: chr19-41869175-C-T. GRCh37 (hg19) VCF-style: chr19-42373245-C-T.
Other names: c.317C>T, p.Ala106Val (NM_001321483.2, NM_001321484.2); c.330C>T, p.Ser110= (NM_001321485.2); short protein forms A106V.
Identifiers: ClinVar variation 958359 (VCV000958359.10), dbSNP rs2074119741, ClinGen allele CA406030533.
Genomic context (GRCh38, chr19:41,869,175, plus strand): 5'-GCGTCATGCCCAGCCACTTCAGCCGAGGCTCCAAGAGTGTGGCCCGCCGGGTCCTCCAAG[C>T]CCTGGAGGGGCTGAAAATGGTGGAAAAGGACCAAGATGGGTAAGCAGGGTAGAGGGGGCT-3'
Protein context (NP_001013.1, residues 96-116): SKSVARRVLQ[Ala106Val]LEGLKMVEKD